The following is an entry in ClinVar:

ClinVar aggregate classification (germline): Pathogenic (1 of 4 stars; one submission).

Conditions:
Intellectual developmental disorder, autosomal dominant 50, with behavioral abnormalities. Also called: MENTAL RETARDATION, AUTOSOMAL DOMINANT 50; Intellectual disability, autosomal dominant 50. Identifiers: MedGen C4540470, MONDO:0030916, OMIM 617787.

Submission:

Variantyx, Inc.
Classification: Pathogenic for Intellectual developmental disorder, autosomal dominant 50, with behavioral abnormalities. Last evaluated: 2025-03-02. Review status: criteria provided, single submitter. Criteria: Variantyx Assertion Criteria 2022. Collection method: clinical testing. Allele origin: de novo. Inheritance: Autosomal dominant inheritance. Affected: yes.
Comment: This is a frameshift variant in the NAA15 gene (OMIM: 608000). Pathogenic variants in this gene have been associated with autosomal dominant intellectual developmental disorder 50 with behavioral abnormalities. This variant likely occurred de novo in one or more of the following: the current proband, individuals reported in the published literature, or previous internal cases; however, the possibility of parental germline mosaicism cannot be excluded (PS2_Moderate). This variant introduces a premature termination codon in exon 15 out of 20 and is expected to result in loss of function, which is a known disease mechanism for NAA15 in this disorder (PMID: 28191889, 29656860) (PVS1). This variant is absent from control populations (PM2) and has not been reported in individuals with NAA15-related disorders in the databases available for review. Based on the current evidence, this variant is classified as pathogenic for autosomal dominant intellectual developmental disorder 50 with behavioral abnormalities.

Literature cited by the submitters: PubMed 28191889; PubMed 29656860.

NM_057175.5(NAA15):c.1812del (p.Ala606fs)

Gene: NAA15 (N-alpha-acetyltransferase 15, NatA auxiliary subunit; plus strand). Cytogenetic location: 4q31.1.
Variant type: Deletion.
Coding change: c.1812del on transcript NM_057175.5 (MANE Select); coding-DNA position 1812, one base deleted (G; older notation c.1812delG).
Protein change: p.Ala606fs; shifts the reading frame from alanine 606.
Molecular consequence: frameshift variant.
Genome position (GRCh38, 1-based): chr4:139,370,269, G deleted. VCF-style (leftmost placement, unchanged base first): chr4-139370268-AG-A. GRCh37 (hg19) VCF-style: chr4-140291422-AG-A.
Other names: c.1812del, p.Ala606fs (NM_001410842.1); short protein forms A606fs.
Identifiers: ClinVar variation 4813758 (VCV004813758.1).